The following is an entry in ClinVar:

ClinVar aggregate classification (germline): Uncertain significance (1 of 4 stars; one submission).

Conditions:
Nephronophthisis 15 (NPHP15). Identifiers: Orphanet 3156, MedGen C3541853, MONDO:0013917, OMIM 614845.

Allele frequency attached by ClinVar (database versions not stated): gnomAD exomes below 0.00001.

Submission:

Labcorp Genetics (formerly Invitae), Labcorp
Classification: Uncertain significance for Nephronophthisis 15. Last evaluated: 2024-12-02. Review status: criteria provided, single submitter. Criteria: Invitae Variant Classification Sherloc (09022015). Collection method: clinical testing. Allele origin: germline.
Comment: This sequence change replaces valine, which is neutral and non-polar, with glycine, which is neutral and non-polar, at codon 428 of the CEP164 protein (p.Val428Gly). This variant is not present in population databases (gnomAD no frequency). This variant has not been reported in the literature in individuals affected with CEP164-related conditions. ClinVar contains an entry for this variant (Variation ID: 1500221). An algorithm developed to predict the effect of missense changes on protein structure and function outputs the following: PolyPhen-2: "Benign". The glycine amino acid residue is found in multiple mammalian species, which suggests that this missense change does not adversely affect protein function. In summary, the available evidence is currently insufficient to determine the role of this variant in disease. Therefore, it has been classified as a Variant of Uncertain Significance.

NM_014956.5(CEP164):c.1283T>G (p.Val428Gly)

Gene: CEP164 (centrosomal protein 164; plus strand). Cytogenetic location: 11q23.3.
Variant type: single nucleotide variant.
Coding change: c.1283T>G on transcript NM_014956.5 (MANE Select); coding-DNA position 1283, T replaced by G.
Protein change: p.Val428Gly; replaces valine 428 with glycine.
Molecular consequence: missense variant.
Genome position (GRCh38, 1-based): chr11:117,375,757, T>G. VCF-style: chr11-117375757-T-G. GRCh37 (hg19) VCF-style: chr11-117246473-T-G.
Other names: c.1283T>G, p.Val428Gly (NM_001271933.2); short protein forms V428G.
Identifiers: ClinVar variation 1500221 (VCV001500221.6), dbSNP rs2136011109, ClinGen allele CA382740273.